The following is an entry in ClinVar:

NM_001103.4(ACTN2):c.698-1068T>C

Gene: ACTN2 (actinin alpha 2; plus strand). Cytogenetic location: 1q43.
Variant type: single nucleotide variant.
Coding change: c.698-1068T>C on transcript NM_001103.4 (MANE Select); 1068 bases into the intron before coding-DNA position 698, T replaced by C.
Molecular consequence: intron variant.
Genome position (GRCh38, 1-based): chr1:236,734,567, T>C. VCF-style: chr1-236734567-T-C. GRCh37 (hg19) VCF-style: chr1-236897867-T-C.
Other names: c.698-1068T>C (NM_001103.3); c.-39+49T>C (NM_001278344.2); c.783+49T>C (NM_001278343.2).
Identifiers: ClinVar variation 672444 (VCV000672444.3), dbSNP rs16834301, ClinGen allele CA1472895.
Genomic context (GRCh38, chr1:236,734,567, plus strand): 5'-GGTGCACAGAAGGTGAGGATGTAAACCATGAGTCACTGCTCACCCTTCACCTTCTGTGTC[T>C]TAATTTTTTTTCAATTGTTTTCCTCTTTTTTCCCCCCTCTCCTCCGAGTAAGGAGACTGT-3'

ClinVar aggregate classification (germline): Benign. Review status: criteria provided, multiple submitters, no conflicts (2 of 4 stars). 3 submissions from 3 submitters: Benign (3). Last evaluated 2026-09-21.

Allele frequency attached by ClinVar (database versions not stated): gnomAD exomes 0.09026 and 0.04804; 1000 Genomes Project 30x 0.16568; gnomAD 0.10210 and 0.10234; TOPMed 0.11367; 1000 Genomes Project 0.16554; ExAC 0.08502.
gnomAD v4.1: 75,319 of 1,370,668 alleles (5.5%); highest among the groups gnomAD compares: East Asian, 23%; 4,391 homozygotes.

Submissions (3):

Molecular Diagnostic Laboratory for Inherited Cardiovascular Disease, Montreal Heart Institute
Classification: Benign. Last evaluated: 2026-09-21. Review status: criteria provided, single submitter. Criteria: ACMG Guidelines, 2015. Collection method: clinical testing. Allele origin: germline. Affected: no.
Comment: BA1

GeneDx
Classification: Benign. Last evaluated: 2018-06-19. Review status: criteria provided, single submitter. Criteria: GeneDx Variant Classification (06012015). Collection method: clinical testing. Allele origin: germline. Affected: yes.
Comment: This variant is considered likely benign or benign based on one or more of the following criteria: it is a conservative change, it occurs at a poorly conserved position in the protein, it is predicted to be benign by multiple in silico algorithms, and/or has population frequency not consistent with disease.

Breakthrough Genomics
Classification: Benign. Review status: criteria provided, single submitter. Criteria: ACMG Guidelines, 2015. Collection method: not provided. Allele origin: germline. Inheritance: Autosomal dominant inheritance. Affected: yes.